The following is an entry in ClinVar:

NM_006306.4(SMC1A):c.1913C>T (p.Thr638Ile)

Gene: SMC1A (structural maintenance of chromosomes 1A; minus strand). Cytogenetic location: Xp11.22.
Variant type: single nucleotide variant.
Coding change: c.1913C>T on transcript NM_006306.4 (MANE Select); coding-DNA position 1913, C replaced by T.
Protein change: p.Thr638Ile; replaces threonine 638 with isoleucine.
Molecular consequence: missense variant.
Genome position (GRCh38, 1-based): chrX:53,405,390, G>A on the plus strand (C>T on the coding strand, the complement: SMC1A is on the minus strand). VCF-style: chrX-53405390-G-A. GRCh37 (hg19) VCF-style: chrX-53432322-G-A.
Other names: c.1847C>T, p.Thr616Ile (NM_001281463.1); short protein forms T616I, T638I.
Identifiers: ClinVar variation 3765619 (VCV003765619.1).

ClinVar aggregate classification (germline): Pathogenic (1 of 4 stars; one submission).

Conditions:
SMC1A-related disorder. Also called: SMC1A-related condition.

Submission:

Greenwood Genetic Center Diagnostic Laboratories, Greenwood Genetic Center
Classification: Pathogenic for SMC1A-related disorder. Last evaluated: 2024-08-29. Review status: criteria provided, single submitter. Criteria: ACMG Guidelines, 2015. Collection method: clinical testing. Allele origin: germline. Affected: yes.
Comment: PS2, PS4_Supporting, PM1, PM2, PP2, PP3